The following is an entry in ClinVar:

ClinVar aggregate classification (germline): Uncertain significance (1 of 4 stars; one submission).

gnomAD v4.1: 1 of 1,614,112 alleles (0.000062%); highest among the groups gnomAD compares: Non-Finnish European, 0.000085%; no homozygotes.

Submission:

Women's Health and Genetics/Laboratory Corporation of America, LabCorp
Classification: Uncertain significance. Last evaluated: 2025-10-27. Review status: criteria provided, single submitter. Criteria: LabCorp Variant Classification Summary - May 2015. Collection method: clinical testing. Allele origin: germline.
Comment: Variant summary: MYH7 c.1933C>T (p.Gln645X) results in a premature termination codon, predicted to cause a truncation of the encoded protein or absence of the protein due to nonsense mediated decay, however current evidence is not sufficient to establish loss of function as a mechanism for disease. The variant was absent in 251420 control chromosomes. The available data on variant occurrences in the general population are insufficient to allow any conclusion about variant significance. To our knowledge, no occurrence of c.1933C>T in individuals affected with MYH7-related conditions and no experimental evidence demonstrating its impact on protein function have been reported. No submitters have cited clinical-significance assessments for this variant to ClinVar. Based on the evidence outlined above, the variant was classified as uncertain significance.

NM_000257.4(MYH7):c.1933C>T (p.Gln645Ter)

Gene: MYH7 (myosin heavy chain 7; minus strand). Cytogenetic location: 14q11.2.
Variant type: single nucleotide variant.
Coding change: c.1933C>T on transcript NM_000257.4 (MANE Select); coding-DNA position 1933, C replaced by T.
Protein change: p.Gln645Ter; replaces glutamine 645 with a stop codon.
Molecular consequence: nonsense.
Genome position (GRCh38, 1-based): chr14:23,427,263, G>A on the plus strand (C>T on the coding strand, the complement: MYH7 is on the minus strand). VCF-style: chr14-23427263-G-A. GRCh37 (hg19) VCF-style: chr14-23896472-G-A.
Other names: c.1933C>T, p.Gln645Ter (NM_001407004.1); short protein forms Q645*.
Identifiers: ClinVar variation 4687747 (VCV004687747.1).